The following is an entry in ClinVar:

ClinVar aggregate classification (germline): Benign. Review status: criteria provided, multiple submitters, no conflicts (2 of 4 stars). 3 submissions from 3 submitters: Benign (3). Last evaluated 2026-04-14.

Conditions:
Familial intrahepatic cholestasis. Identifiers: Orphanet 284385, MedGen CN296401, MONDO:0017290.

Allele frequency attached by ClinVar (database versions not stated): gnomAD exomes 0.00225 and 0.00563; ExAC 0.00695; gnomAD 0.02114 and 0.02276; 1000 Genomes Project 0.02276; 1000 Genomes Project 30x 0.02420; ESP Exome Variant Server 0.02483.
gnomAD v4.1: 6,524 of 1,570,360 alleles (0.42%); highest among the groups gnomAD compares: African/African-American, 7.4%; 207 homozygotes.

Submissions (3):

Genomenon, Inc
Classification: Benign for Familial intrahepatic cholestasis. Last evaluated: 2026-04-14. Review status: criteria provided, single submitter. Criteria: Genomenon Sequence Variant Interpretation Standards - Updated. Collection method: curation. Allele origin: germline. Affected: no.
Comment: ATP8B1 c.1429+49G>A is an intronic variant located in intron 13. This variant is present at high allele frequency in population databases. In conclusion, we classify ATP8B1 c.1429+49G>A as a benign variant.

GeneDx
Classification: Benign. Last evaluated: 2021-05-10. Review status: criteria provided, single submitter. Criteria: GeneDx Variant Classification Process June 2021. Collection method: clinical testing. Allele origin: germline. Affected: yes.

Breakthrough Genomics
Classification: Benign. Review status: criteria provided, single submitter. Criteria: ACMG Guidelines, 2015. Collection method: not provided. Allele origin: germline. Inheritance: Autosomal recessive inheritance. Affected: yes.

NM_001374385.1(ATP8B1):c.1429+49G>A

Gene: ATP8B1 (ATPase phospholipid transporting 8B1; minus strand). Cytogenetic location: 18q21.31.
Variant type: single nucleotide variant.
Coding change: c.1429+49G>A on transcript NM_001374385.1 (MANE Select); 49 bases into the intron after coding-DNA position 1429, G replaced by A.
Molecular consequence: intron variant.
Genome position (GRCh38, 1-based): chr18:57,688,250, C>T on the plus strand (G>A on the coding strand, the complement: ATP8B1 is on the minus strand). VCF-style: chr18-57688250-C-T. GRCh37 (hg19) VCF-style: chr18-55355482-C-T.
Other names: c.1429+49G>A (NM_005603.6); c.1279+49G>A (NM_001374386.1).
Identifiers: ClinVar variation 1221284 (VCV001221284.5), dbSNP rs111837936, ClinGen allele CA8974586.
Genomic context (GRCh38, chr18:57,688,250, plus strand): 5'-CATCGAGAGGGCACCAGCAATGCCAGGAGACAGGCTATAGTCCAAGTAATGACCTGCACA[C>T]GGCAGGCAGCCCCACTCACCCAGAAAATGAGTGACGGCTTCCACTTACCATATATCTGCC-3'